The following is an entry in ClinVar:

ClinVar aggregate classification (germline): Pathogenic (1 of 4 stars; one submission).

Conditions:
Heterotaxy, visceral, 1, X-linked (HTX1). Also called: SITUS INVERSUS, COMPLEX CARDIAC DEFECTS, AND SPLENIC DEFECTS, X-LINKED; DEXTROCARDIA WITH OTHER CARDIAC MALFORMATIONS; Laterality, X-linked; Visceral heterotaxia. Identifiers: Orphanet 450, MedGen C1844020, MONDO:0010607, OMIM 306955.

Submission:

Labcorp Genetics (formerly Invitae), Labcorp
Classification: Pathogenic for Heterotaxy, visceral, 1, X-linked. Last evaluated: 2025-03-10. Review status: criteria provided, single submitter. Criteria: Invitae Variant Classification Sherloc (09022015). Collection method: clinical testing. Allele origin: germline.
Comment: This sequence change creates a premature translational stop signal (p.Gln70*) in the ZIC3 gene. It is expected to result in an absent or disrupted protein product. Loss-of-function variants in ZIC3 are known to be pathogenic (PMID: 24123890). This variant is not present in population databases (gnomAD no frequency). This variant has not been reported in the literature in individuals affected with ZIC3-related conditions. For these reasons, this variant has been classified as Pathogenic.

Literature cited by the submitters: PubMed 24123890.

NM_003413.4(ZIC3):c.208C>T (p.Gln70Ter)

Gene: ZIC3 (Zic family zinc finger 3; plus strand). Cytogenetic location: Xq26.3.
Variant type: single nucleotide variant.
Coding change: c.208C>T on transcript NM_003413.4 (MANE Select); coding-DNA position 208, C replaced by T.
Protein change: p.Gln70Ter; replaces glutamine 70 with a stop codon.
Molecular consequence: nonsense.
Genome position (GRCh38, 1-based): chrX:137,566,899, C>T. VCF-style: chrX-137566899-C-T. GRCh37 (hg19) VCF-style: chrX-136649058-C-T.
Other names: c.208C>T, p.Gln70Ter (NM_001330661.1); short protein forms Q70*.
Identifiers: ClinVar variation 4714750 (VCV004714750.1).
Genomic context (GRCh38, chrX:137,566,899, plus strand): 5'-GCCGCCGCCGCCGCTGCCTTCAAGCTGAGCCCTGCCGCGGCGCACGATCTATCTTCAGGC[C>T]AGAGCTCGGCTTTCACGCCGCAGGGTTCGGGCTACGCCAACGCCCTGGGCCACCATCACC-3'